The following is an entry in ClinVar:

NM_004974.4(KCNA2):c.684_685del (p.Cys229fs)

Gene: KCNA2 (potassium voltage-gated channel subfamily A member 2; minus strand). Cytogenetic location: 1p13.3.
Variant type: Microsatellite.
Coding change: c.684_685del on transcript NM_004974.4 (MANE Select); coding-DNA positions 684 to 685, 2 bases deleted (CT; older notation c.684_685delCT).
Protein change: p.Cys229fs; shifts the reading frame from cysteine 229.
Molecular consequence: frameshift variant.
Genome position (GRCh38, 1-based): chr1:110,604,098-110,604,099, AG deleted on the plus strand (CT on the coding strand, the reverse complement: KCNA2 is on the minus strand); deleting any 2 consecutive bases within chr1:110,604,098-110,604,101 gives the same sequence; the c. name uses the placement nearest the transcript's 3' end. VCF-style (leftmost placement, unchanged base first): chr1-110604097-CAG-C. GRCh37 (hg19) VCF-style: chr1-111146719-CAG-C.
Other names: c.684_685del, p.Cys229fs (NM_001204269.2); short protein forms C229fs.
Identifiers: ClinVar variation 843796 (VCV000843796.11), dbSNP rs1649483920, ClinGen allele CA916082080.

ClinVar aggregate classification (germline): Uncertain significance. Review status: criteria provided, multiple submitters, no conflicts (2 of 4 stars). 2 submissions from 2 submitters: Uncertain significance (2). Last evaluated 2022-11-08.

Conditions:
Developmental and epileptic encephalopathy, 32 (DEE32). Also called: Epileptic encephalopathy, early infantile, 32. Identifiers: Orphanet 442835, MedGen C4225350, MONDO:0014607, OMIM 616366.

Submissions (2):

Labcorp Genetics (formerly Invitae), Labcorp
Classification: Uncertain significance for Developmental and epileptic encephalopathy, 32. Last evaluated: 2022-11-08. Review status: criteria provided, single submitter. Criteria: Invitae Variant Classification Sherloc (09022015). Collection method: clinical testing. Allele origin: germline.
Comment: This sequence change creates a premature translational stop signal (p.Cys229Hisfs*7) in the KCNA2 gene. While this is not anticipated to result in nonsense mediated decay, it is expected to disrupt the last 271 amino acid(s) of the KCNA2 protein. This variant is not present in population databases (gnomAD no frequency). This variant has not been reported in the literature in individuals affected with KCNA2-related conditions. ClinVar contains an entry for this variant (Variation ID: 843796). Experimental studies and prediction algorithms are not available or were not evaluated, and the functional significance of this variant is currently unknown. In summary, the available evidence is currently insufficient to determine the role of this variant in disease. Therefore, it has been classified as a Variant of Uncertain Significance.

GeneDx
Classification: Uncertain significance. Last evaluated: 2022-02-23. Review status: criteria provided, single submitter. Criteria: GeneDx Variant Classification Process June 2021. Collection method: clinical testing. Allele origin: germline. Affected: yes.
Comment: Not observed at significant frequency in large population cohorts (gnomAD); Frameshift variant predicted to result in protein truncation as the last 271 amino acids are replaced with 6 different amino acids; Has not been previously published as pathogenic or benign to our knowledge